The following is an entry in ClinVar:

NM_020780.2(DISP3):c.1948G>A (p.Ala650Thr)

Gene: DISP3 (dispatched RND transporter family member 3; plus strand). Cytogenetic location: 1p36.22.
Variant type: single nucleotide variant.
Coding change: c.1948G>A on transcript NM_020780.2 (MANE Select); coding-DNA position 1948, G replaced by A.
Protein change: p.Ala650Thr; replaces alanine 650 with threonine.
Molecular consequence: missense variant.
Genome position (GRCh38, 1-based): chr1:11,519,413, G>A. VCF-style: chr1-11519413-G-A. GRCh37 (hg19) VCF-style: chr1-11579470-G-A.
Other names: short protein forms A650T.
Identifiers: ClinVar variation 3060671 (VCV003060671.2), dbSNP rs2072994, ClinGen allele CA591821.

ClinVar aggregate classification (germline): Benign (0 of 4 stars; one submission).

Conditions:
DISP3-related disorder. Also called: DISP3-related condition.

Allele frequency attached by ClinVar (database versions not stated): 1000 Genomes Project 0.35982; 1000 Genomes Project 30x 0.36056; ESP Exome Variant Server 0.46076; TOPMed 0.46106; gnomAD 0.46976; ExAC 0.54416; gnomAD exomes 0.59482.
gnomAD v4.1: 938,573 of 1,613,438 alleles (58%); highest among the groups gnomAD compares: Admixed American, 69%; 287,725 homozygotes.

Submission:

PreventionGenetics, part of Exact Sciences
Classification: Benign for DISP3-related condition. Last evaluated: 2019-10-16. Review status: no assertion criteria provided. Collection method: clinical testing. Allele origin: germline.
Comment: This variant is classified as benign based on ACMG/AMP sequence variant interpretation guidelines (Richards et al. 2015 PMID: 25741868, with internal and published modifications).